The following is an entry in ClinVar:

NM_001386795.1(DTNA):c.204del (p.Asn68fs)

Gene: DTNA (dystrobrevin alpha; plus strand). Cytogenetic location: 18q12.1.
Variant type: Deletion.
Coding change: c.204del on transcript NM_001386795.1 (MANE Select); coding-DNA position 204, one base deleted (C; older notation c.204delC).
Protein change: p.Asn68fs; shifts the reading frame from asparagine 68.
Molecular consequence: frameshift variant.
Genome position (GRCh38, 1-based): chr18:34,794,092, C deleted. VCF-style (leftmost placement, unchanged base first): chr18-34794091-AC-A. GRCh37 (hg19) VCF-style: chr18-32374055-AC-A.
Other names: c.204del, p.Asn68fs (NM_001386757.1, NM_001386758.1, NM_001386759.1 and 35 more transcripts); short protein forms N68fs.
Identifiers: ClinVar variation 2115102 (VCV002115102.4), dbSNP rs2516937493, ClinGen allele CA2580095665.
Genomic context (GRCh38, chr18:34,794,091, plus strand): 5'-TTGTAGTGCACCTGGTGGACATATGGAATGTCATAGAAGCATTGCGGGAAAATGCTCTGA[AC>A]AACCTGGACCCAAACACTGAACTCAACGTGTCCCGCTTAGAGGCTGTGCTCTCCACTATT-3'

ClinVar aggregate classification (germline): Uncertain significance (1 of 4 stars; one submission).

Conditions:
Left ventricular noncompaction 1 (LVNC1). Also called: LEFT VENTRICULAR NONCOMPACTION 1 WITH OR WITHOUT CONGENITAL HEART DEFECTS. Identifiers: Orphanet 54260, MedGen C1858725, MONDO:0011403, OMIM 604169.

Submission:

Labcorp Genetics (formerly Invitae), Labcorp
Classification: Uncertain significance for Left ventricular noncompaction 1. Last evaluated: 2022-04-21. Review status: criteria provided, single submitter. Criteria: Invitae Variant Classification Sherloc (09022015). Collection method: clinical testing. Allele origin: germline.
Comment: In summary, the available evidence is currently insufficient to determine the role of this variant in disease. Therefore, it has been classified as a Variant of Uncertain Significance. This variant has not been reported in the literature in individuals affected with DTNA-related conditions. This variant is not present in population databases (gnomAD no frequency). This sequence change creates a premature translational stop signal (p.Asn68Lysfs*14) in the DTNA gene. It is expected to result in an absent or disrupted protein product. However, the current clinical and genetic evidence is not sufficient to establish whether loss-of-function variants in DTNA cause disease.